The following is an entry in ClinVar:

NM_001080414.4(CCDC88C):c.1721G>A (p.Arg574Gln)

Gene: CCDC88C (coiled-coil and HOOK domain protein 88C; minus strand). Cytogenetic location: 14q32.11.
Variant type: single nucleotide variant.
Coding change: c.1721G>A on transcript NM_001080414.4 (MANE Select); coding-DNA position 1721, G replaced by A.
Protein change: p.Arg574Gln; replaces arginine 574 with glutamine.
Molecular consequence: missense variant. On other transcripts: non-coding transcript variant (2).
Genome position (GRCh38, 1-based): chr14:91,314,095, C>T on the plus strand (G>A on the coding strand, the complement: CCDC88C is on the minus strand). VCF-style: chr14-91314095-C-T. GRCh37 (hg19) VCF-style: chr14-91780439-C-T.
Other names: short protein forms R574Q.
Identifiers: ClinVar variation 3905135 (VCV003905135.10).

ClinVar aggregate classification (germline): Uncertain significance (1 of 4 stars; one submission).

gnomAD v4.1: 94 of 1,613,752 alleles (0.0058%); highest among the groups gnomAD compares: Middle Eastern, 0.082%; no homozygotes.

Submission:

CeGaT Center for Human Genetics Tuebingen
Classification: Uncertain significance. Last evaluated: 2025-04-01. Review status: criteria provided, single submitter. Criteria: CeGaT Center For Human Genetics Tuebingen Variant Classification Criteria Version 2. Collection method: clinical testing. Allele origin: germline. Affected: yes. Observed: 1 variant allele.
Comment: CCDC88C: PM2, BP4